The following is an entry in ClinVar:

NC_000002.11:g.(?_227946821)_(227964415_?)dup

Gene: COL4A4 (collagen type IV alpha 4 chain; minus strand). Cytogenetic location: 2q36.3.
Variant type: Duplication.
Identifiers: ClinVar variation 1068366 (VCV001068366.2).

ClinVar aggregate classification (germline): Likely pathogenic (1 of 4 stars; one submission).

Submission:

Labcorp Genetics (formerly Invitae), Labcorp
Classification: Likely pathogenic. Last evaluated: 2021-08-04. Review status: criteria provided, single submitter. Criteria: Invitae Variant Classification Sherloc (09022015). Collection method: clinical testing. Allele origin: germline.
Comment: This variant results in a copy number gain of the genomic region encompassing exons 18-23 of the COL4A4 gene. While the exact position of this variant cannot be determined from this data, sub-genic copy number gains are generally in tandem (PMID: 25640679) and may result in an absent or disrupted protein product. This variant has not been reported in the literature in individuals with COL4A4-related conditions. Loss-of-function variants in COL4A4 are known to be pathogenic (PMID: 19129241, 21196518, 24052634, 24522496, 24854265, 25307543, 26809805, 27281700). In summary, the currently available evidence indicates that the variant is pathogenic, but additional data are needed to prove that conclusively. Therefore, this variant has been classified as Likely Pathogenic.

Literature cited by the submitters: PubMed 25640679; PubMed 19129241; PubMed 21196518; PubMed 24052634; PubMed 24522496; PubMed 24854265; PubMed 25307543; PubMed 26809805; PubMed 27281700.